The following is an entry in ClinVar:

NM_003803.4(MYOM1):c.4148T>C (p.Ile1383Thr)

Gene: MYOM1 (myomesin 1; minus strand). Cytogenetic location: 18p11.31.
Variant type: single nucleotide variant.
Coding change: c.4148T>C on transcript NM_003803.4 (MANE Select); coding-DNA position 4148, T replaced by C.
Protein change: p.Ile1383Thr; replaces isoleucine 1383 with threonine.
Molecular consequence: missense variant.
Genome position (GRCh38, 1-based): chr18:3,086,141, A>G on the plus strand (T>C on the coding strand, the complement: MYOM1 is on the minus strand). VCF-style: chr18-3086141-A-G. GRCh37 (hg19) VCF-style: chr18-3086139-A-G.
Other names: c.3860T>C, p.Ile1287Thr (NM_019856.2); short protein forms I1383T, I1287T.
Identifiers: ClinVar variation 155823 (VCV000155823.3), dbSNP rs374491316, ClinGen allele CA345853.

ClinVar aggregate classification (germline): Uncertain significance. Review status: criteria provided, multiple submitters, no conflicts (2 of 4 stars). 2 submissions from 2 submitters: Uncertain significance (2). Last evaluated 2026-02-01.

Conditions:
Hypertrophic cardiomyopathy. Also called: HYPERTROPHIC MYOCARDIOPATHY. Identifiers: Orphanet 217569, MedGen C0007194, MeSH D002312, MONDO:0005045, HP:0001639.

Allele frequency attached by ClinVar (database versions not stated): gnomAD exomes 0.00003 and 0.00007; ExAC 0.00004; gnomAD 0.00004 and 0.00003; ESP Exome Variant Server 0.00008; TOPMed 0.00002.

Submissions (2):

Labcorp Genetics (formerly Invitae), Labcorp
Classification: Uncertain significance for Hypertrophic cardiomyopathy. Last evaluated: 2026-02-01. Review status: criteria provided, single submitter. Criteria: Invitae Variant Classification Sherloc (09022015). Collection method: clinical testing. Allele origin: germline.
Comment: This sequence change replaces isoleucine, which is neutral and non-polar, with threonine, which is neutral and polar, at codon 1383 of the MYOM1 protein (p.Ile1383Thr). This variant is present in population databases (rs374491316, gnomAD 0.04%). This variant has not been reported in the literature in individuals affected with MYOM1-related conditions. ClinVar contains an entry for this variant (Variation ID: 155823). Invitae Evidence Modeling of protein sequence and biophysical properties (such as structural, functional, and spatial information, amino acid conservation, physicochemical variation, residue mobility, and thermodynamic stability) indicates that this missense variant is not expected to disrupt MYOM1 protein function with a negative predictive value of 80%. In summary, the available evidence is currently insufficient to determine the role of this variant in disease. Therefore, it has been classified as a Variant of Uncertain Significance.

Blueprint Genetics
Classification: Uncertain significance. Last evaluated: 2022-03-30. Review status: criteria provided, single submitter. Criteria: ACMG Guidelines, 2015. Collection method: clinical testing. Allele origin: germline.